The following is an entry in ClinVar:

ClinVar aggregate classification (germline): Pathogenic. Review status: criteria provided, multiple submitters, no conflicts (2 of 4 stars). 5 submissions from 5 submitters: Pathogenic (4). 1 of the submissions does not count toward it. Last evaluated 2025-09-24.

Conditions:
Roberts-SC phocomelia syndrome (RBS). Also called: Hypomelia hypotrichosis facial hemangioma syndrome; LONG BONE DEFICIENCIES ASSOCIATED WITH CLEFT LIP-PALATE; Pseudothalidomide syndrome; Appelt-Gerken-Lenz syndrome; ESCO2 Spectrum Disorder. Identifiers: Orphanet 3103, MedGen C0392475, MONDO:0100253, OMIM 268300.
Inborn genetic diseases. Identifiers: MedGen C0950123, MeSH D030342.

Submissions (5):

Ambry Genetics
Classification: Pathogenic for Inborn genetic diseases. Last evaluated: 2025-09-24. Review status: criteria provided, single submitter. Criteria: Ambry Variant Classification Scheme 2023. Collection method: clinical testing. Allele origin: germline.
Comment: The c.308_309delAA (p.K103Rfs*3) alteration, located in exon 3 (coding exon 2) of the ESCO2 gene, consists of a deletion of 2 nucleotides from position 308 to 309, causing a translational frameshift with a predicted alternate stop codon after 3 amino acids. This alteration is expected to result in loss of function by premature protein truncation or nonsense-mediated mRNA decay. Based on data from gnomAD, the c.308_309delAA (p.K103Rfs*3) alteration has an overall frequency of 0.001% (3/282492) total alleles studied. The highest observed frequency was 0.014% (1/7204) of Other alleles. This variant has been identified in conjunction with other ESCO2 variant(s) in individual(s) with features consistent with Roberts-SC phocomelia syndrome (Gordillo, 2008; Vega, 2010). Based on the available evidence, this alteration is classified as pathogenic.

Natera, Inc.
Classification: Pathogenic for Roberts syndrome. Last evaluated: 2025-01-23. Review status: criteria provided, single submitter. Criteria: Natera Variant Classification Schema (03/2026). Collection method: clinical testing. Allele origin: germline.
Comment: The c.308_309delAA variant in ESCO2 is a frameshift variant predicted to shift the reading frame beginning at codon 103 and leads to a stop codon 3 codons downstream. This variant is expected to result in nonsense mediated decay, truncation, or a dysfunctional protein product. This variant is rare in the general population with a frequency below the threshold expected for the associated phenotype(s). This variant has been observed in one or more individuals affected with the associated recessive disease, as either homozygous or compound heterozygous with a second variant (PMID: 18411254). Given the available evidence, this variant is classified as Pathogenic.

GeneDx
Classification: Pathogenic. Last evaluated: 2023-01-17. Review status: criteria provided, single submitter. Criteria: GeneDx Variant Classification Process June 2021. Collection method: clinical testing. Allele origin: germline. Affected: yes.
Comment: Frameshift variant predicted to result in protein truncation or nonsense mediated decay in a gene for which loss of function is a known mechanism of disease; Not observed at significant frequency in large population cohorts (gnomAD); This variant is associated with the following publications: (PMID: 18411254)

Labcorp Genetics (formerly Invitae), Labcorp
Classification: Pathogenic. Last evaluated: 2022-10-07. Review status: criteria provided, single submitter. Criteria: Invitae Variant Classification Sherloc (09022015). Collection method: clinical testing. Allele origin: germline.
Comment: This premature translational stop signal has been observed in individual(s) with Roberts syndrome (PMID: 18411254). For these reasons, this variant has been classified as Pathogenic. ClinVar contains an entry for this variant (Variation ID: 21244). This variant is present in population databases (rs755226817, gnomAD 0.004%). This sequence change creates a premature translational stop signal (p.Lys103Argfs*3) in the ESCO2 gene. It is expected to result in an absent or disrupted protein product. Loss-of-function variants in ESCO2 are known to be pathogenic (PMID: 15821733, 16380922).

GeneReviews
No classification provided. Condition: Roberts-SC phocomelia syndrome. Review status: no classification provided. Collection method: literature only. Allele origin: unknown. Not counted in ClinVar's aggregate classification.

Literature cited by the submitters: PubMed 18411254 (cited by 4 submitters); PubMed 19574259 (cited by Ambry Genetics); PubMed 15821733 (cited by Labcorp Genetics (formerly Invitae), Labcorp); PubMed 16380922 (cited by Labcorp Genetics (formerly Invitae), Labcorp); PubMed 20301332 (cited by GeneReviews); NCBI Bookshelf NBK1153 (cited by GeneReviews).

NM_001017420.3(ESCO2):c.308_309del (p.Lys103fs)

Gene: ESCO2 (establishment of sister chromatid cohesion N-acetyltransferase 2; plus strand). Cytogenetic location: 8p21.1.
Variant type: Deletion.
Coding change: c.308_309del on transcript NM_001017420.3 (MANE Select); coding-DNA positions 308 to 309, 2 bases deleted (AA; older notation c.308_309delAA).
Protein change: p.Lys103fs; shifts the reading frame from lysine 103.
Molecular consequence: frameshift variant.
Genome position (GRCh38, 1-based): chr8:27,776,616-27,776,617, AA deleted; deleting any 2 consecutive bases within chr8:27,776,614-27,776,617 gives the same sequence; the c. name uses the placement nearest the transcript's 3' end. VCF-style (leftmost placement, unchanged base first): chr8-27776613-TAA-T. GRCh37 (hg19) VCF-style: chr8-27634130-TAA-T.
Other names: c.308_309del (NM_001017420.2); short protein forms K103fs.
Identifiers: ClinVar variation 21244 (VCV000021244.12), dbSNP rs80359847, ClinGen allele CA341790.